The following is an entry in ClinVar:

ClinVar aggregate classification (germline): Uncertain significance. Review status: criteria provided, multiple submitters, no conflicts (2 of 4 stars). 2 submissions from 2 submitters: Uncertain significance (2). Last evaluated 2024-06-19.

Conditions:
Inborn genetic diseases. Identifiers: MedGen C0950123, MeSH D030342.
Epidermodysplasia verruciformis. Identifiers: Orphanet 302, MedGen C0014522, MONDO:0009176.

gnomAD v4.1: 9 of 1,561,578 alleles (0.00058%); highest among the groups gnomAD compares: Non-Finnish European, 0.00078%; no homozygotes.

Submissions (2):

Ambry Genetics
Classification: Uncertain significance for Inborn genetic diseases. Last evaluated: 2024-06-19. Review status: criteria provided, single submitter. Criteria: Ambry Variant Classification Scheme 2023. Collection method: clinical testing. Allele origin: germline.

Labcorp Genetics (formerly Invitae), Labcorp
Classification: Uncertain significance for Epidermodysplasia verruciformis. Last evaluated: 2024-05-15. Review status: criteria provided, single submitter. Criteria: Invitae Variant Classification Sherloc (09022015). Collection method: clinical testing. Allele origin: germline.
Comment: This sequence change replaces arginine, which is basic and polar, with proline, which is neutral and non-polar, at codon 122 of the TMC6 protein (p.Arg122Pro). This variant is not present in population databases (gnomAD no frequency). This variant has not been reported in the literature in individuals affected with TMC6-related conditions. ClinVar contains an entry for this variant (Variation ID: 1511600). Algorithms developed to predict the effect of missense changes on protein structure and function output the following: SIFT: "Not Available"; PolyPhen-2: "Benign"; Align-GVGD: "Not Available". The proline amino acid residue is found in multiple mammalian species, which suggests that this missense change does not adversely affect protein function. In summary, the available evidence is currently insufficient to determine the role of this variant in disease. Therefore, it has been classified as a Variant of Uncertain Significance.

NM_001127198.5(TMC6):c.365G>C (p.Arg122Pro)

Gene: TMC6 (transmembrane channel like 6; minus strand). Cytogenetic location: 17q25.3.
Variant type: single nucleotide variant.
Coding change: c.365G>C on transcript NM_001127198.5 (MANE Select); coding-DNA position 365, G replaced by C.
Protein change: p.Arg122Pro; replaces arginine 122 with proline.
Molecular consequence: missense variant. On other transcripts: non-coding transcript variant (4).
Genome position (GRCh38, 1-based): chr17:78,125,791, C>G on the plus strand (G>C on the coding strand, the complement: TMC6 is on the minus strand). VCF-style: chr17-78125791-C-G. GRCh37 (hg19) VCF-style: chr17-76121872-C-G.
Other names: c.365G>C (NM_007267.6); c.365G>C, p.Arg122Pro (NM_001321185.1, NM_001374593.1, NM_001374594.1 and 4 more transcripts); short protein forms R122P.
Identifiers: ClinVar variation 1511600 (VCV001511600.7), dbSNP rs200579060, ClinGen allele CA401234983.
Genomic context (GRCh38, chr17:78,125,791, plus strand): 5'-TCCTCCAGGGCCGTGGGGTCCAGCTCCAGGTCGTACAGGCGGAGGCTGGGCCAGGCGGAG[C>G]GGACAAAGTTCCCGAGCAGGGGCCGGCTGCTCCTGCACCGAAGCTGCACCGTGCGGTTGT-3'
Protein context (NP_001120670.1, residues 112-132): SSRPLLGNFV[Arg122Pro]SAWPSLRLYD